The following is an entry in ClinVar:

NM_000384.3(APOB):c.7886T>C (p.Val2629Ala)

Gene: APOB (apolipoprotein B; minus strand). Cytogenetic location: 2p24.1.
Variant type: single nucleotide variant.
Coding change: c.7886T>C on transcript NM_000384.3 (MANE Select); coding-DNA position 7886, T replaced by C.
Protein change: p.Val2629Ala; replaces valine 2629 with alanine.
Molecular consequence: missense variant.
Genome position (GRCh38, 1-based): chr2:21,008,982, A>G on the plus strand (T>C on the coding strand, the complement: APOB is on the minus strand). VCF-style: chr2-21008982-A-G. GRCh37 (hg19) VCF-style: chr2-21231854-A-G.
Other names: short protein forms V2629A.
Identifiers: ClinVar variation 855661 (VCV000855661.9), dbSNP rs776908968, ClinGen allele CA064892.
Genomic context (GRCh38, chr2:21,008,982, plus strand): 5'-TCTGGTGTGGAAAACCTGGATGGGATTTTTATATTTTTTAAGTCTTTGAAGTTTATCTGA[A>G]CTGATGGAATCCTCAAATCTGTTAGGGGGACTATAAAATCAGGTGTCTGGAAGGTAGCTT-3'
Protein context (NP_000375.3, residues 2619-2639): VPLTDLRIPS[Val2629Ala]QINFKDLKNI

ClinVar aggregate classification (germline): Uncertain significance. Review status: criteria provided, multiple submitters, no conflicts (2 of 4 stars). 2 submissions from 2 submitters: Uncertain significance (2). Last evaluated 2025-04-21.

Conditions:
Familial hypobetalipoproteinemia 1. Also called: Hypobetalipoproteinemia, normotriglyceridemic; Acanthocytosis with hypobetalipoproteinemia; APOB-Related Familial Hypobetalipoproteinemia. Identifiers: MedGen C4551990, MONDO:0014252, OMIM 615558.
Hypercholesterolemia, autosomal dominant, type B (FHCL2). Also called: APOLIPOPROTEIN B-100, FAMILIAL DEFECTIVE; APOLIPOPROTEIN B-100, FAMILIAL LIGAND-DEFECTIVE; HYPERCHOLESTEROLEMIA, FAMILIAL, DUE TO LIGAND-DEFECTIVE APOLIPOPROTEIN B; Hyperlipoproteinemia Type IIb; Familial hypercholesterolemia 2; APOB-Related Familial Hypercholesterolemia, Autosomal Dominant. Identifiers: MedGen C1704417, MONDO:0007751, OMIM 144010.

Allele frequency attached by ClinVar (database versions not stated): TOPMed below 0.00001; ExAC 0.00001; gnomAD 0.00001; gnomAD exomes 0.00001.
gnomAD v4.1: 5 of 1,613,888 alleles (0.00031%); highest among the groups gnomAD compares: Non-Finnish European, 0.00042%; no homozygotes.

Submissions (2):

GeneDx
Classification: Uncertain significance. Last evaluated: 2025-04-21. Review status: criteria provided, single submitter. Criteria: GeneDx Variant Classification Process June 2021. Collection method: clinical testing. Allele origin: germline. Affected: yes.
Comment: Not observed at significant frequency in large population cohorts (gnomAD); In silico analysis indicates that this missense variant does not alter protein structure/function; Has not been previously published as pathogenic or benign to our knowledge; Also known as p.(V2602A)

Labcorp Genetics (formerly Invitae), Labcorp
Classification: Uncertain significance for Familial hypobetalipoproteinemia 1; Hypercholesterolemia, autosomal dominant, type B. Last evaluated: 2021-08-31. Review status: criteria provided, single submitter. Criteria: Invitae Variant Classification Sherloc (09022015). Collection method: clinical testing. Allele origin: germline.
Comment: This sequence change replaces valine with alanine at codon 2629 of the APOB protein (p.Val2629Ala). The valine residue is weakly conserved and there is a small physicochemical difference between valine and alanine. This variant is present in population databases (rs776908968, ExAC 0.002%). This variant has not been reported in the literature in individuals affected with APOB-related conditions. Algorithms developed to predict the effect of missense changes on protein structure and function are either unavailable or do not agree on the potential impact of this missense change (SIFT: "Deleterious"; PolyPhen-2: "Benign"; Align-GVGD: "Class C0"). In summary, the available evidence is currently insufficient to determine the role of this variant in disease. Therefore, it has been classified as a Variant of Uncertain Significance.